The following is an entry in ClinVar:

ClinVar aggregate classification (germline): Uncertain significance (1 of 4 stars; one submission).

Submission:

GeneDx
Classification: Uncertain significance. Last evaluated: 2026-03-05. Review status: criteria provided, single submitter. Criteria: GeneDx Variant Classification Process June 2021. Collection method: clinical testing. Allele origin: germline.
Comment: Not observed at significant frequency in large population cohorts (gnomAD); In silico analysis supports that this missense variant has a deleterious effect on protein structure/function; Has not been previously published as pathogenic or benign to our knowledge

NM_014159.7(SETD2):c.7268A>G (p.Glu2423Gly)

Gene: SETD2 (SET domain containing 2, histone lysine methyltransferase; minus strand). Cytogenetic location: 3p21.31.
Variant type: single nucleotide variant.
Coding change: c.7268A>G on transcript NM_014159.7 (MANE Select); coding-DNA position 7268, A replaced by G.
Protein change: p.Glu2423Gly; replaces glutamic acid 2423 with glycine.
Molecular consequence: missense variant. On other transcripts: non-coding transcript variant (1).
Genome position (GRCh38, 1-based): chr3:47,037,748, T>C on the plus strand (A>G on the coding strand, the complement: SETD2 is on the minus strand). VCF-style: chr3-47037748-T-C. GRCh37 (hg19) VCF-style: chr3-47079238-T-C.
Other names: c.7136A>G, p.Glu2379Gly (NM_001349370.3); short protein forms E2423G, E2379G.
Identifiers: ClinVar variation 5008656 (VCV005008656.1).
Genomic context (GRCh38, chr3:47,037,748, plus strand): 5'-GTTGGAGTTCCCAGGTCCATCTCAGCTTCATGCTCAAGGCTGGCATCATCTCCTGGGCTT[T>C]CCCAAGTAGGAGGATCCCACTGAGTCTGCCTAGAAAGAGACAAAAACAGCCATGCTGTCA-3'
Protein context (NP_054878.5, residues 2413-2433): RQTQWDPPTW[Glu2423Gly]SPGDDASLEH